The following is an entry in ClinVar:

NM_002941.4(ROBO1):c.1102G>A (p.Val368Ile)

Gene: ROBO1 (roundabout guidance receptor 1; minus strand). Cytogenetic location: 3p12.3.
Variant type: single nucleotide variant.
Coding change: c.1102G>A on transcript NM_002941.4 (MANE Select); coding-DNA position 1102, G replaced by A.
Protein change: p.Val368Ile; replaces valine 368 with isoleucine.
Molecular consequence: missense variant.
Genome position (GRCh38, 1-based): chr3:78,688,716, C>T on the plus strand (G>A on the coding strand, the complement: ROBO1 is on the minus strand). VCF-style: chr3-78688716-C-T. GRCh37 (hg19) VCF-style: chr3-78737866-C-T.
Other names: c.994G>A, p.Val332Ile (NM_001145844.1, NM_001145845.2, NM_133631.4); c.1102G>A (NM_002941.3); short protein forms V368I, V332I.
Identifiers: ClinVar variation 2958682 (VCV002958682.4), dbSNP rs752990735, ClinGen allele CA2499049.

ClinVar aggregate classification (germline): Uncertain significance. Review status: criteria provided, multiple submitters, no conflicts (2 of 4 stars). 2 submissions from 2 submitters: Uncertain significance (2). Last evaluated 2025-09-26.

Conditions:
Inborn genetic diseases. Identifiers: MedGen C0950123, MeSH D030342.

Allele frequency attached by ClinVar (database versions not stated): gnomAD exomes 0.00001; ExAC 0.00002; gnomAD 0.00003; TOPMed 0.00003.
gnomAD v4.1: 14 of 1,608,750 alleles (0.00087%); highest among the groups gnomAD compares: African/African-American, 0.013%; no homozygotes.

Submissions (2):

Ambry Genetics
Classification: Uncertain significance for Inborn genetic diseases. Last evaluated: 2025-09-26. Review status: criteria provided, single submitter. Criteria: Ambry Variant Classification Scheme 2023. Collection method: clinical testing. Allele origin: germline.

Labcorp Genetics (formerly Invitae), Labcorp
Classification: Uncertain significance. Last evaluated: 2023-10-24. Review status: criteria provided, single submitter. Criteria: Invitae Variant Classification Sherloc (09022015). Collection method: clinical testing. Allele origin: germline.
Comment: This sequence change replaces valine, which is neutral and non-polar, with isoleucine, which is neutral and non-polar, at codon 368 of the ROBO1 protein (p.Val368Ile). This variant is present in population databases (rs752990735, gnomAD 0.01%). This variant has not been reported in the literature in individuals affected with ROBO1-related conditions. Advanced modeling of protein sequence and biophysical properties (such as structural, functional, and spatial information, amino acid conservation, physicochemical variation, residue mobility, and thermodynamic stability) performed at Invitae indicates that this missense variant is not expected to disrupt ROBO1 protein function with a negative predictive value of 95%. In summary, the available evidence is currently insufficient to determine the role of this variant in disease. Therefore, it has been classified as a Variant of Uncertain Significance.